The following is an entry in ClinVar:

NM_001122630.2(CDKN1C):c.630del (p.Glu211fs)

Gene: CDKN1C (cyclin dependent kinase inhibitor 1C; minus strand). Cytogenetic location: 11p15.4.
Variant type: Deletion.
Coding change: c.630del on transcript NM_001122630.2 (MANE Select); coding-DNA position 630, one base deleted (A; older notation c.630delA).
Protein change: p.Glu211fs; shifts the reading frame from glutamic acid 211.
Molecular consequence: frameshift variant. On other transcripts: intron variant (1).
Genome position (GRCh38, 1-based): chr11:2,884,827, T deleted on the plus strand (A on the coding strand, the reverse complement: CDKN1C is on the minus strand); the first of 2 consecutive T bases (chr11:2,884,827-2,884,828); deleting either gives the same sequence. VCF-style (leftmost placement, unchanged base first): chr11-2884826-CT-C. GRCh37 (hg19) VCF-style: chr11-2906056-CT-C.
Other names: c.663del, p.Glu222fs (NM_000076.2, NM_001362474.2); c.630del, p.Glu211fs (NM_001122631.2); c.255+375del (NM_001362475.2); short protein forms E211fs, E222fs.
Identifiers: ClinVar variation 2030935 (VCV002030935.4), dbSNP rs2494384859, ClinGen allele CA2580082635.
Genomic context (GRCh38, chr11:2,884,826, plus strand): 5'-GCTGGTCAGCGAGAGGCTCCTGGCCGCGCTGCCCCTGGTTCGCGCCCTGCTCGGCGCTCT[CT>C]TGAGGCGCCGCGTCCGGGGCCGGGGCCGGGGCGGGGGCCGGGGCCGGGGCCGGGGCCGGG-3'

ClinVar aggregate classification (germline): Pathogenic (1 of 4 stars; one submission).

Conditions:
Beckwith-Wiedemann syndrome (BWS). Also called: Exomphalos macroglossia gigantism syndrome; EMG SYNDROME. Identifiers: Orphanet 116, MedGen C0004903, MONDO:0007534, OMIM 130650.

Submission:

Labcorp Genetics (formerly Invitae), Labcorp
Classification: Pathogenic for Beckwith-Wiedemann syndrome. Last evaluated: 2022-09-17. Review status: criteria provided, single submitter. Criteria: Invitae Variant Classification Sherloc (09022015). Collection method: clinical testing. Allele origin: germline.
Comment: This sequence change creates a premature translational stop signal (p.Glu222Argfs*50) in the CDKN1C gene. It is expected to result in an absent or disrupted protein product. Loss-of-function variants in CDKN1C are known to be pathogenic (PMID: 20503313). This variant is not present in population databases (gnomAD no frequency). This variant has not been reported in the literature in individuals affected with CDKN1C-related conditions. For these reasons, this variant has been classified as Pathogenic.

Literature cited by the submitters: PubMed 20503313.